The following is an entry in ClinVar:

NM_000465.4(BARD1):c.82C>G (p.Pro28Ala)

Gene: BARD1 (BRCA1 associated RING domain 1; minus strand). Cytogenetic location: 2q35.
Variant type: single nucleotide variant.
Coding change: c.82C>G on transcript NM_000465.4 (MANE Select); coding-DNA position 82, C replaced by G.
Protein change: p.Pro28Ala; replaces proline 28 with alanine.
Molecular consequence: missense variant. On other transcripts: non-coding transcript variant (3).
Genome position (GRCh38, 1-based): chr2:214,809,488, G>C on the plus strand (C>G on the coding strand, the complement: BARD1 is on the minus strand). VCF-style: chr2-214809488-G-C. GRCh37 (hg19) VCF-style: chr2-215674212-G-C.
Other names: c.82C>G, p.Pro28Ala (NM_001282543.2, NM_001282545.2, NM_001282548.2 and 1 more transcripts); c.82C>G (NM_000465.2); short protein forms P28A.
Identifiers: ClinVar variation 237844 (VCV000237844.17), dbSNP rs770702450, ClinGen allele CA10581944.
Genomic context (GRCh38, chr2:214,809,488, plus strand): 5'-GCAGCTTCTCCAGGCGGTCGAGCGCGGCGCGACTGTGGGCCCAGGCACCGCGACCATCCG[G>C]TTCCATGGCGGGCGCGGAACGAGGCTCGTTCCCGGAGCGGATCCTCGGCTGCCGGTTCCT-3'
Protein context (NP_000456.2, residues 18-38): NEPRSAPAME[Pro28Ala]DGRGAWAHSR

ClinVar aggregate classification (germline): Uncertain significance. Review status: criteria provided, multiple submitters, no conflicts (2 of 4 stars). 6 submissions from 6 submitters: Uncertain significance (6). Last evaluated 2025-09-26.

Conditions:
Hereditary cancer-predisposing syndrome. Also called: Neoplastic Syndromes, Hereditary; Hereditary neoplastic syndrome; Tumor predisposition; Hereditary Cancer Syndrome. Identifiers: Orphanet 140162, MedGen C0027672, MeSH D009386, MONDO:0015356.
Familial cancer of breast. Also called: BREAST CANCER, FAMILIAL; hereditary breast carcinoma; Hereditary breast cancer. Identifiers: Orphanet 227535, MedGen C0346153, MONDO:0016419, OMIM 114480. Disease mechanism: loss of function.

Submissions (6):

Quest Diagnostics Nichols Institute San Juan Capistrano
Classification: Uncertain significance. Last evaluated: 2025-09-26. Review status: criteria provided, single submitter. Criteria: Quest Diagnostics criteria. Collection method: clinical testing. Allele origin: unknown.
Comment: The BARD1 c.82C>G (p.Pro28Ala) variant has not been reported in individuals with BARD1-related conditions in the published literature. This variant has not been reported in large, multi-ethnic general populations (Genome Aggregation Database). Analysis of this variant using bioinformatics tools for the prediction of the effect of amino acid changes on protein structure and function yielded predictions that this variant is benign. Based on the available information, we are unable to determine the clinical significance of this variant.

Ambry Genetics
Classification: Uncertain significance for Hereditary cancer-predisposing syndrome. Last evaluated: 2024-06-24. Review status: criteria provided, single submitter. Criteria: Ambry Variant Classification Scheme 2023. Collection method: clinical testing. Allele origin: germline.
Comment: The p.P28A variant (also known as c.82C>G), located in coding exon 1 of the BARD1 gene, results from a C to G substitution at nucleotide position 82. The proline at codon 28 is replaced by alanine, an amino acid with highly similar properties. This amino acid position is conserved. In addition, this alteration is predicted to be tolerated by in silico analysis. Since supporting evidence is limited at this time, the clinical significance of this alteration remains unclear.

Labcorp Genetics (formerly Invitae), Labcorp
Classification: Uncertain significance for Familial cancer of breast. Last evaluated: 2024-05-05. Review status: criteria provided, single submitter. Criteria: Invitae Variant Classification Sherloc (09022015). Collection method: clinical testing. Allele origin: germline.
Comment: This sequence change replaces proline, which is neutral and non-polar, with alanine, which is neutral and non-polar, at codon 28 of the BARD1 protein (p.Pro28Ala). This variant is not present in population databases (gnomAD no frequency). This variant has not been reported in the literature in individuals affected with BARD1-related conditions. ClinVar contains an entry for this variant (Variation ID: 237844). An algorithm developed to predict the effect of missense changes on protein structure and function (PolyPhen-2) suggests that this variant¬†is likely to be tolerated. In summary, the available evidence is currently insufficient to determine the role of this variant in disease. Therefore, it has been classified as a Variant of Uncertain Significance.

Baylor Genetics
Classification: Uncertain significance for Familial cancer of breast. Last evaluated: 2024-03-07. Review status: criteria provided, single submitter. Criteria: ACMG Guidelines, 2015. Collection method: clinical testing. Allele origin: unknown.

Color Diagnostics, LLC DBA Color Health
Classification: Uncertain significance for Hereditary cancer-predisposing syndrome. Last evaluated: 2023-12-05. Review status: criteria provided, single submitter. Criteria: ACMG Guidelines, 2015. Collection method: clinical testing. Allele origin: germline.
Comment: This missense variant replaces proline with alanine at codon 28 of the BARD1 protein. Computational prediction tools and conservation analyses are inconclusive regarding the impact of this variant on the protein function. Computational splicing tools suggest that this variant may not impact RNA splicing. To our knowledge, functional assays have not been performed for this variant nor has this variant been reported in individuals affected with hereditary cancer in the literature. This variant has not been identified in the general population by the Genome Aggregation Database (gnomAD). Available evidence is insufficient to determine the role of this variant in disease conclusively. Therefore, this variant is classified as a Variant of Uncertain Significance.

GeneDx
Classification: Uncertain significance. Last evaluated: 2022-02-02. Review status: criteria provided, single submitter. Criteria: GeneDx Variant Classification Process June 2021. Collection method: clinical testing. Allele origin: germline. Affected: yes.
Comment: Not observed at significant frequency in large population cohorts (gnomAD); In silico analysis supports that this missense variant does not alter protein structure/function; Has not been previously published as pathogenic or benign to our knowledge; This variant is associated with the following publications: (PMID: 18480049)